The following is an entry in ClinVar:

ClinVar aggregate classification (germline): Uncertain significance (1 of 4 stars; one submission).

Allele frequency attached by ClinVar (database versions not stated): gnomAD exomes below 0.00001; gnomAD 0.00001; TOPMed 0.00003.
gnomAD v4.1: 3 of 1,431,504 alleles (0.00021%); highest among the groups gnomAD compares: Admixed American, 0.0065%; no homozygotes.

Submission:

Labcorp Genetics (formerly Invitae), Labcorp
Classification: Uncertain significance. Last evaluated: 2024-05-07. Review status: criteria provided, single submitter. Criteria: Invitae Variant Classification Sherloc (09022015). Collection method: clinical testing. Allele origin: germline.
Comment: This sequence change replaces lysine, which is basic and polar, with arginine, which is basic and polar, at codon 178 of the EPS8L2 protein (p.Lys178Arg). This variant is present in population databases (no rsID available, gnomAD 0.008%). This variant has not been reported in the literature in individuals affected with EPS8L2-related conditions. ClinVar contains an entry for this variant (Variation ID: 2005689). An algorithm developed to predict the effect of missense changes on protein structure and function (PolyPhen-2) suggests that this variant is likely to be disruptive. In summary, the available evidence is currently insufficient to determine the role of this variant in disease. Therefore, it has been classified as a Variant of Uncertain Significance.

NM_022772.4(EPS8L2):c.533A>G (p.Lys178Arg)

Genes: EPS8L2 (EPS8 signaling adaptor L2; plus strand), LOC130005076 (ATAC-STARR-seq lymphoblastoid silent region 3016; plus strand). Cytogenetic location: 11p15.5.
Variant type: single nucleotide variant.
Coding change: c.533A>G on transcript NM_022772.4 (MANE Select); coding-DNA position 533, A replaced by G.
Protein change: p.Lys178Arg; replaces lysine 178 with arginine.
Molecular consequence: missense variant.
Genome position (GRCh38, 1-based): chr11:720,885, A>G. VCF-style: chr11-720885-A-G. GRCh37 (hg19) VCF-style: chr11-720885-A-G.
Other names: short protein forms K178R.
Identifiers: ClinVar variation 2005689 (VCV002005689.4), dbSNP rs1354158434, ClinGen allele CA378965816.